The following is an entry in ClinVar:

NM_014639.4(SKIC3):c.4053+2T>A

Gene: SKIC3 (SKI3 subunit of superkiller complex; minus strand). Cytogenetic location: 5q15.
Variant type: single nucleotide variant.
Coding change: c.4053+2T>A on transcript NM_014639.4 (MANE Select); the canonical splice donor site of the intron after coding-DNA position 4053, T replaced by A.
Molecular consequence: splice donor variant.
Genome position (GRCh38, 1-based): chr5:95,484,722, A>T on the plus strand (T>A on the coding strand, the complement: SKIC3 is on the minus strand). VCF-style: chr5-95484722-A-T. GRCh37 (hg19) VCF-style: chr5-94820426-A-T.
Identifiers: ClinVar variation 2709621 (VCV002709621.3), dbSNP rs2530694488, ClinGen allele CA360445160.

ClinVar aggregate classification (germline): Likely pathogenic (1 of 4 stars; one submission).

Submission:

Labcorp Genetics (formerly Invitae), Labcorp
Classification: Likely pathogenic. Last evaluated: 2024-01-16. Review status: criteria provided, single submitter. Criteria: Invitae Variant Classification Sherloc (09022015). Collection method: clinical testing. Allele origin: germline.
Comment: This sequence change affects a donor splice site in intron 38 of the TTC37 gene. It is expected to disrupt RNA splicing. Variants that disrupt the donor or acceptor splice site typically lead to a loss of protein function (PMID: 16199547), and loss-of-function variants in TTC37 are known to be pathogenic (PMID: 20176027, 21120949). This variant is not present in population databases (gnomAD no frequency). This variant has not been reported in the literature in individuals affected with TTC37-related conditions. Algorithms developed to predict the effect of sequence changes on RNA splicing suggest that this variant may disrupt the consensus splice site. In summary, the currently available evidence indicates that the variant is pathogenic, but additional data are needed to prove that conclusively. Therefore, this variant has been classified as Likely Pathogenic.

Literature cited by the submitters: PubMed 16199547; PubMed 20176027; PubMed 21120949.